The following is an entry in ClinVar:

NM_001014437.3(CARS1):c.980A>G (p.Tyr327Cys)

Gene: CARS1 (cysteinyl-tRNA synthetase 1; minus strand). Cytogenetic location: 11p15.4.
Variant type: single nucleotide variant.
Coding change: c.980A>G on transcript NM_001014437.3 (MANE Select); coding-DNA position 980, A replaced by G.
Protein change: p.Tyr327Cys; replaces tyrosine 327 with cysteine.
Molecular consequence: missense variant. On other transcripts: non-coding transcript variant (4).
Genome position (GRCh38, 1-based): chr11:3,029,047, T>C on the plus strand (A>G on the coding strand, the complement: CARS1 is on the minus strand). VCF-style: chr11-3029047-T-C. GRCh37 (hg19) VCF-style: chr11-3050277-T-C.
Other names: c.980A>G, p.Tyr327Cys (NM_001194997.2); c.770A>G, p.Tyr257Cys (NM_001378136.1); c.701A>G, p.Tyr234Cys (NM_001378137.1, NM_001378138.1, NM_001378139.1); c.455A>G, p.Tyr152Cys (NM_001378140.1); c.731A>G, p.Tyr244Cys (NM_001751.6, NM_139273.4); c.980A>G (NM_001014437.2); short protein forms Y152C, Y234C, Y244C, Y257C, Y327C.
Identifiers: ClinVar variation 1333231 (VCV001333231.2), dbSNP rs771395120, ClinGen allele CA5824179.

ClinVar aggregate classification (germline): Uncertain significance. Review status: criteria provided, multiple submitters, no conflicts (2 of 4 stars). 2 submissions from 2 submitters: Uncertain significance (2). Last evaluated 2024-01-30.

Conditions:
Microcephaly, developmental delay, and brittle hair syndrome. Identifiers: MedGen C5394425, MONDO:0030047, OMIM 618891.

Allele frequency attached by ClinVar (database versions not stated): ExAC 0.00001; gnomAD 0.00001; gnomAD exomes 0.00001 and below 0.00001; TOPMed 0.00001.
gnomAD v4.1: 3 of 1,613,796 alleles (0.00019%); highest among the groups gnomAD compares: Non-Finnish European, 0.00017%; no homozygotes.

Submissions (2):

Ambry Genetics
Classification: Uncertain significance. Last evaluated: 2024-01-30. Review status: criteria provided, single submitter. Criteria: Ambry Variant Classification Scheme 2023. Collection method: clinical testing. Allele origin: germline.

3billion
Classification: Uncertain significance for Microcephaly, developmental delay, and brittle hair syndrome. Last evaluated: 2022-01-03. Review status: criteria provided, single submitter. Criteria: ACMG Guidelines, 2015. Collection method: clinical testing. Allele origin: germline. Affected: yes. Observed: 1 heterozygote.
Comment: The variant is observed at an extremely low frequency in the gnomAD v2.1.1 dataset (total allele frequency: 0.000008, PM2_M). A missense variant is a common mechanism associated with Microcephaly (PP2_P). Therefore, this variant is classified as uncertain significance according to the recommendation of ACMG/AMP guideline.